The following is an entry in ClinVar:

NM_001621.5(AHR):c.1427C>T (p.Ser476Leu)

Gene: AHR (aryl hydrocarbon receptor; plus strand). Cytogenetic location: 7p21.1.
Variant type: single nucleotide variant.
Coding change: c.1427C>T on transcript NM_001621.5 (MANE Select); coding-DNA position 1427, C replaced by T.
Protein change: p.Ser476Leu; replaces serine 476 with leucine.
Molecular consequence: missense variant.
Genome position (GRCh38, 1-based): chr7:17,339,252, C>T. VCF-style: chr7-17339252-C-T. GRCh37 (hg19) VCF-style: chr7-17378876-C-T.
Other names: short protein forms S476L.
Identifiers: ClinVar variation 959820 (VCV000959820.7), dbSNP rs182847559, ClinGen allele CA4172110.

ClinVar aggregate classification (germline): Uncertain significance (1 of 4 stars; one submission).

Allele frequency attached by ClinVar (database versions not stated): gnomAD exomes below 0.00001 and 0.00001; ExAC 0.00002; gnomAD 0.00003; TOPMed 0.00005; ESP Exome Variant Server 0.00015; 1000 Genomes Project 0.00020; 1000 Genomes Project 30x 0.00031.
gnomAD v4.1: 7 of 1,614,148 alleles (0.00043%); highest among the groups gnomAD compares: Admixed American, 0.0067%; no homozygotes.

Submission:

Labcorp Genetics (formerly Invitae), Labcorp
Classification: Uncertain significance. Last evaluated: 2022-10-25. Review status: criteria provided, single submitter. Criteria: Invitae Variant Classification Sherloc (09022015). Collection method: clinical testing. Allele origin: germline.
Comment: This sequence change replaces serine, which is neutral and polar, with leucine, which is neutral and non-polar, at codon 476 of the AHR protein (p.Ser476Leu). This variant is present in population databases (rs182847559, gnomAD 0.01%). This variant has not been reported in the literature in individuals affected with AHR-related conditions. ClinVar contains an entry for this variant (Variation ID: 959820). Algorithms developed to predict the effect of missense changes on protein structure and function are either unavailable or do not agree on the potential impact of this missense change (SIFT: "Deleterious"; PolyPhen-2: "Benign"; Align-GVGD: "Class C0"). In summary, the available evidence is currently insufficient to determine the role of this variant in disease. Therefore, it has been classified as a Variant of Uncertain Significance.